The following is an entry in ClinVar:

ClinVar aggregate classification (germline): Pathogenic (1 of 4 stars; one submission).

Conditions:
Microcephaly, normal intelligence and immunodeficiency (NBS). Also called: Microcephaly with normal intelligence immunodeficiency and lymphoreticular malignancies; Nonsyndromal microcephaly autosomal recessive with normal intelligence; Seemanova syndrome 2; Immunodeficiency, microcephaly with normal intelligence; SEEMANOVA SYNDROME II; Ataxia telangiectasia variant V1. Identifiers: Orphanet 647, MedGen C0398791, MONDO:0009623, OMIM 251260.

Submission:

Labcorp Genetics (formerly Invitae), Labcorp
Classification: Pathogenic for Microcephaly, normal intelligence and immunodeficiency. Last evaluated: 2021-10-09. Review status: criteria provided, single submitter. Criteria: Invitae Variant Classification Sherloc (09022015). Collection method: clinical testing. Allele origin: germline.
Comment: For these reasons, this variant has been classified as Pathogenic. ClinVar contains an entry for this variant (Variation ID: 851009). This variant has not been reported in the literature in individuals affected with NBN-related conditions. This variant is not present in population databases (ExAC no frequency). This sequence change creates a premature translational stop signal (p.Val403Hisfs*11) in the NBN gene. It is expected to result in an absent or disrupted protein product. Loss-of-function variants in NBN are known to be pathogenic (PMID: 9590180, 16415040).

Literature cited by the submitters: PubMed 9590180; PubMed 16415040.

NM_002485.5(NBN):c.1203_1206dup (p.Val403fs)

Gene: NBN (nibrin; minus strand). Cytogenetic location: 8q21.3.
Variant type: Duplication.
Coding change: c.1203_1206dup on transcript NM_002485.5 (MANE Select); coding-DNA positions 1203 to 1206, 4 bases duplicated (CACT; older notation c.1203_1206dupCACT).
Protein change: p.Val403fs; shifts the reading frame from valine 403.
Molecular consequence: frameshift variant.
Genome position (GRCh38, 1-based): chr8:89,955,474-89,955,477, AGTG duplicated on the plus strand (CACT on the coding strand, the reverse complement: NBN is on the minus strand). VCF-style (leftmost placement, unchanged base first): chr8-89955473-C-CAGTG. GRCh37 (hg19) VCF-style: chr8-90967701-C-CAGTG.
Other names: c.957_960dup, p.Val321fs (NM_001024688.3); short protein forms V321fs, V403fs.
Identifiers: ClinVar variation 851009 (VCV000851009.8), dbSNP rs1810667631, ClinGen allele CA916080403.